The following is an entry in ClinVar:

ClinVar aggregate classification (germline): Uncertain significance. Review status: criteria provided, multiple submitters, no conflicts (2 of 4 stars). 2 submissions from 2 submitters: Uncertain significance (2). Last evaluated 2025-01-06.

Conditions:
Developmental and epileptic encephalopathy, 37 (DEE37). Also called: Epileptic encephalopathy, early infantile, 37. Identifiers: MedGen C4310770, MONDO:0014859, OMIM 616981.

Allele frequency attached by ClinVar (database versions not stated): 1000 Genomes Project 30x 0.00016; TOPMed 0.00018; gnomAD 0.00020 and 0.00022.
gnomAD v4.1: 72 of 1,252,256 alleles (0.0057%); highest among the groups gnomAD compares: African/African-American, 0.083%; no homozygotes.

Submissions (2):

Labcorp Genetics (formerly Invitae), Labcorp
Classification: Uncertain significance for Developmental and epileptic encephalopathy, 37. Last evaluated: 2025-01-06. Review status: criteria provided, single submitter. Criteria: Invitae Variant Classification Sherloc (09022015). Collection method: clinical testing. Allele origin: germline.
Comment: This sequence change replaces alanine, which is neutral and non-polar, with valine, which is neutral and non-polar, at codon 97 of the FRRS1L protein (p.Ala97Val). This variant is present in population databases (no rsID available, gnomAD 0.1%). This variant has not been reported in the literature in individuals affected with FRRS1L-related conditions. ClinVar contains an entry for this variant (Variation ID: 581503). An algorithm developed to predict the effect of missense changes on protein structure and function (PolyPhen-2) suggests that this variant¬†is likely to be tolerated. In summary, the available evidence is currently insufficient to determine the role of this variant in disease. Therefore, it has been classified as a Variant of Uncertain Significance.

GeneDx
Classification: Uncertain significance. Last evaluated: 2024-08-02. Review status: criteria provided, single submitter. Criteria: GeneDx Variant Classification Process June 2021. Collection method: clinical testing. Allele origin: germline. Affected: yes.
Comment: In silico analysis indicates that this missense variant does not alter protein structure/function; Has not been previously published as pathogenic or benign to our knowledge

NM_014334.4(FRRS1L):c.137C>T (p.Ala46Val)

Gene: FRRS1L (ferric chelate reductase 1 like; minus strand). Cytogenetic location: 9q31.3.
Variant type: single nucleotide variant.
Coding change: c.137C>T on transcript NM_014334.4 (MANE Select); coding-DNA position 137, C replaced by T.
Protein change: p.Ala46Val; replaces alanine 46 with valine.
Molecular consequence: missense variant.
Genome position (GRCh38, 1-based): chr9:109,167,002, G>A on the plus strand (C>T on the coding strand, the complement: FRRS1L is on the minus strand). VCF-style: chr9-109167002-G-A. GRCh37 (hg19) VCF-style: chr9-111929282-G-A.
Other names: short protein forms A46V.
Identifiers: ClinVar variation 581503 (VCV000581503.12), dbSNP rs888930181, ClinGen allele CA197584992.